The following is an entry in ClinVar:

NM_015164.4(PLEKHM2):c.2731C>T (p.Arg911Cys)

Gene: PLEKHM2 (pleckstrin homology and RUN domain containing M2; plus strand). Cytogenetic location: 1p36.21.
Variant type: single nucleotide variant.
Coding change: c.2731C>T on transcript NM_015164.4 (MANE Select); coding-DNA position 2731, C replaced by T.
Protein change: p.Arg911Cys; replaces arginine 911 with cysteine.
Molecular consequence: missense variant.
Genome position (GRCh38, 1-based): chr1:15,732,455, C>T. VCF-style: chr1-15732455-C-T. GRCh37 (hg19) VCF-style: chr1-16058950-C-T.
Other names: short protein forms R911C.
Identifiers: ClinVar variation 1507316 (VCV001507316.6), dbSNP rs1316562875, ClinGen allele CA338574754.

ClinVar aggregate classification (germline): Uncertain significance (1 of 4 stars; one submission).

Allele frequency attached by ClinVar (database versions not stated): gnomAD 0.00001; TOPMed 0.00001.
gnomAD v4.1: 8 of 1,599,594 alleles (0.0005%); highest among the groups gnomAD compares: African/African-American, 0.0027%; no homozygotes.

Submission:

Labcorp Genetics (formerly Invitae), Labcorp
Classification: Uncertain significance. Last evaluated: 2023-08-24. Review status: criteria provided, single submitter. Criteria: Invitae Variant Classification Sherloc (09022015). Collection method: clinical testing. Allele origin: germline.
Comment: In summary, the available evidence is currently insufficient to determine the role of this variant in disease. Therefore, it has been classified as a Variant of Uncertain Significance. Algorithms developed to predict the effect of sequence changes on RNA splicing suggest that this variant may create or strengthen a splice site. An algorithm developed to predict the effect of missense changes on protein structure and function (PolyPhen-2) suggests that this variant is likely to be disruptive. ClinVar contains an entry for this variant (Variation ID: 1507316). This variant has not been reported in the literature in individuals affected with PLEKHM2-related conditions. This variant is present in population databases (no rsID available, gnomAD 0.02%). This sequence change replaces arginine, which is basic and polar, with cysteine, which is neutral and slightly polar, at codon 911 of the PLEKHM2 protein (p.Arg911Cys).